The following is an entry in ClinVar:

NM_001351132.2(PEX5):c.1493T>G (p.Phe498Cys)

Gene: PEX5 (peroxisomal biogenesis factor 5; plus strand). Cytogenetic location: 12p13.31.
Variant type: single nucleotide variant.
Coding change: c.1493T>G on transcript NM_001351132.2 (MANE Select); coding-DNA position 1493, T replaced by G.
Protein change: p.Phe498Cys; replaces phenylalanine 498 with cysteine.
Molecular consequence: missense variant.
Genome position (GRCh38, 1-based): chr12:7,209,103, T>G. VCF-style: chr12-7209103-T-G. GRCh37 (hg19) VCF-style: chr12-7361699-T-G.
Other names: c.1427T>G, p.Phe476Cys (NM_001351135.3, NM_001351138.2); c.1484T>G, p.Phe495Cys (NM_001351136.2); c.1382T>G, p.Phe461Cys (NM_001351137.3, NM_001374645.1, NM_001374646.1 and 7 more transcripts); c.1358T>G, p.Phe453Cys (NM_001351139.2, NM_001351140.2, NM_001374649.2); c.1493T>G, p.Phe498Cys (NM_001374647.2, NM_001131025.2, NM_001131026.2 and 4 more transcripts); c.1469T>G, p.Phe490Cys (NM_000319.5); c.1538T>G, p.Phe513Cys (NM_001131023.2); c.1493T>G (NM_001131025.1); short protein forms F453C, F461C, F476C, F490C, F495C, F498C, F513C.
Identifiers: ClinVar variation 1001122 (VCV001001122.5), dbSNP rs772579298, ClinGen allele CA6426473.

ClinVar aggregate classification (germline): Uncertain significance. Review status: criteria provided, multiple submitters, no conflicts (2 of 4 stars). 2 submissions from 2 submitters: Uncertain significance (2). Last evaluated 2025-11-26.

Conditions:
Inborn genetic diseases. Identifiers: MedGen C0950123, MeSH D030342.
Peroxisome biogenesis disorder 2B (PBD2B). Identifiers: Orphanet 44, MedGen C3550234, MONDO:0008736, OMIM 202370.

Allele frequency attached by ClinVar (database versions not stated): gnomAD 0.00003; gnomAD exomes 0.00001; TOPMed 0.00003; ExAC 0.00001.
gnomAD v4.1: 38 of 1,614,036 alleles (0.0024%); highest among the groups gnomAD compares: Non-Finnish European, 0.0031%; no homozygotes.

Submissions (2):

Ambry Genetics
Classification: Uncertain significance for Inborn genetic diseases. Last evaluated: 2025-11-26. Review status: criteria provided, single submitter. Criteria: Ambry Variant Classification Scheme 2023. Collection method: clinical testing. Allele origin: germline.

Labcorp Genetics (formerly Invitae), Labcorp
Classification: Uncertain significance for Peroxisome biogenesis disorder 2B. Last evaluated: 2022-09-07. Review status: criteria provided, single submitter. Criteria: Invitae Variant Classification Sherloc (09022015). Collection method: clinical testing. Allele origin: germline.
Comment: This sequence change replaces phenylalanine, which is neutral and non-polar, with cysteine, which is neutral and slightly polar, at codon 498 of the PEX5 protein (p.Phe498Cys). This variant is present in population databases (rs772579298, gnomAD 0.004%). This variant has not been reported in the literature in individuals affected with PEX5-related conditions. ClinVar contains an entry for this variant (Variation ID: 1001122). Algorithms developed to predict the effect of missense changes on protein structure and function are either unavailable or do not agree on the potential impact of this missense change (SIFT: "Deleterious"; PolyPhen-2: "Probably Damaging"; Align-GVGD: "Class C0"). In summary, the available evidence is currently insufficient to determine the role of this variant in disease. Therefore, it has been classified as a Variant of Uncertain Significance.